The following is an entry in ClinVar:

ClinVar aggregate classification (germline): Uncertain significance (1 of 4 stars; one submission).

Conditions:
Long QT syndrome (LQTS). Identifiers: MedGen C0023976, MeSH D008133, MONDO:0002442. Disease mechanism: loss of function. Inheritance: Various modes of inheritance.

Submission:

Labcorp Genetics (formerly Invitae), Labcorp
Classification: Uncertain significance for Long QT syndrome. Last evaluated: 2024-09-09. Review status: criteria provided, single submitter. Criteria: Invitae Variant Classification Sherloc (09022015). Collection method: clinical testing. Allele origin: germline.
Comment: This sequence change falls in intron 1 of the CACNA1C gene. It does not directly change the encoded amino acid sequence of the CACNA1C protein. It affects a nucleotide within the consensus splice site. This variant is not present in population databases (gnomAD no frequency). This variant has not been reported in the literature in individuals affected with CACNA1C-related conditions. Variants that disrupt the consensus splice site are a relatively common cause of aberrant splicing (PMID: 17576681, 9536098). Algorithms developed to predict the effect of sequence changes on RNA splicing suggest that this variant is not likely to affect RNA splicing. In summary, the available evidence is currently insufficient to determine the role of this variant in disease. Therefore, it has been classified as a Variant of Uncertain Significance.

Literature cited by the submitters: PubMed 17576681; PubMed 9536098.

NM_000719.7(CACNA1C):c.50-3C>A

Gene: CACNA1C (calcium voltage-gated channel subunit alpha1 C; plus strand). Cytogenetic location: 12p13.33.
Variant type: single nucleotide variant.
Coding change: c.50-3C>A on transcript NM_000719.7 (MANE Select); 3 bases into the intron before coding-DNA position 50, C replaced by A.
Molecular consequence: intron variant.
Genome position (GRCh38, 1-based): chr12:2,115,221, C>A. VCF-style: chr12-2115221-C-A. GRCh37 (hg19) VCF-style: chr12-2224387-C-A.
Other names: c.50-3C>A (NM_001167624.3, NM_001167623.2, NM_001167625.2 and 19 more transcripts).
Identifiers: ClinVar variation 3625342 (VCV003625342.2).
Genomic context (GRCh38, chr12:2,115,221, plus strand): 5'-AGTGTCGGAAGTGCCCCTGTTTTCTATCTAGTAACTGTTGTGTTCTTTTCTCTTTTGCCA[C>A]AGGTTCCAACTATGGGAGCCCACGCCCCGCCCATGCCAACATGAATGCCAATGCGGCAGC-3'